The following is an entry in ClinVar:

NM_021615.5(CHST6):c.175C>T (p.Leu59Phe)

Gene: CHST6 (carbohydrate sulfotransferase 6; minus strand). Cytogenetic location: 16q23.1.
Variant type: single nucleotide variant.
Coding change: c.175C>T on transcript NM_021615.5 (MANE Select); coding-DNA position 175, C replaced by T.
Protein change: p.Leu59Phe; replaces leucine 59 with phenylalanine.
Molecular consequence: missense variant.
Genome position (GRCh38, 1-based): chr16:75,479,654, G>A on the plus strand (C>T on the coding strand, the complement: CHST6 is on the minus strand). VCF-style: chr16-75479654-G-A. GRCh37 (hg19) VCF-style: chr16-75513552-G-A.
Other names: short protein forms L59F.
Identifiers: ClinVar variation 2506043 (VCV002506043.1), dbSNP rs766981027, ClinGen allele CA8175564.
Genomic context (GRCh38, chr16:75,479,654, plus strand): 5'-TGGTCCACACGTGCCACGCGGGCTCCATTAGGTAGAAGACGTCGGGGTGCTGGTTGAAGA[G>A]TTGGCCCACGAAGGACGAGCCCGAGCGCCACGAGGACAGCACCAGCACATGCACGCGCGC-3'
Protein context (NP_067628.1, residues 49-69): WRSGSSFVGQ[Leu59Phe]FNQHPDVFYL

ClinVar aggregate classification (germline): Uncertain significance (1 of 4 stars; one submission).

Allele frequency attached by ClinVar (database versions not stated): gnomAD exomes below 0.00001; ExAC 0.00001.
gnomAD v4.1: 2 of 1,612,714 alleles (0.00012%); highest among the groups gnomAD compares: Non-Finnish European, 0.000085%; no homozygotes.

Submission:

Women's Health and Genetics/Laboratory Corporation of America, LabCorp
Classification: Uncertain significance. Last evaluated: 2023-05-15. Review status: criteria provided, single submitter. Criteria: LabCorp Variant Classification Summary - May 2015. Collection method: clinical testing. Allele origin: germline.
Comment: Variant summary: CHST6 c.175C>T (p.Leu59Phe) results in a non-conservative amino acid change located in the sulfotransferase domain (IPR000863) of the encoded protein sequence. Five of five in-silico tools predict a damaging effect of the variant on protein function. The variant was absent in 248532 control chromosomes (gnomAD). c.175C>T has been reported in the literature as a homozygous genotype in an individual affected with Macular Corneal Dystrophy who reportedly had other affected family members, however they were not tested as a part of this study (Safari_2020). These data indicate that the variant may be associated with disease. To our knowledge, no experimental evidence demonstrating an impact on protein function has been reported. However other variants affecting the same amino acid (i.e. p.L59H and p.L59P) have also been reported in association with macular corneal dystrophy in the HGMD database, suggesting Leu59 may be important for protein function. The following publication has been ascertained in the context of this evaluation (PMID: 32472422). No clinical diagnostic laboratories have submitted clinical-significance assessments for this variant to ClinVar after 2014. Based on the evidence outlined above, the variant was classified as VUS-possibly pathogenic.

Literature cited by the submitters: PubMed 32472422.